The following is an entry in ClinVar:

ClinVar aggregate classification (germline): Pathogenic (1 of 4 stars; one submission).

Conditions:
Autosomal recessive limb-girdle muscular dystrophy type 2A (LGMDR1). Also called: Limb-girdle muscular dystrophy, type 2A; Calpainopathy; Muscular dystrophy, limb-girdle, type 2A, Amish; LEYDEN-MOEBIUS MUSCULAR DYSTROPHY; MUSCULAR DYSTROPHY, PELVOFEMORAL. Identifiers: Orphanet 267, MedGen C1869123, MONDO:0009675, OMIM 253600. Disease mechanism: loss of function.

Submission:

Labcorp Genetics (formerly Invitae), Labcorp
Classification: Pathogenic for Autosomal recessive limb-girdle muscular dystrophy type 2A. Last evaluated: 2025-12-30. Review status: criteria provided, single submitter. Criteria: Invitae Variant Classification Sherloc (09022015). Collection method: clinical testing. Allele origin: germline.
Comment: This sequence change replaces glycine, which is neutral and non-polar, with glutamic acid, which is acidic and polar, at codon 233 of the CAPN3 protein (p.Gly233Glu). This variant is not present in population databases (gnomAD no frequency). This missense change has been observed in individual(s) with clinical features of autosomal recessive limb-girdle muscular dystrophy (internal data). In at least one individual the data is consistent with being in trans (on the opposite chromosome) from a pathogenic variant. It has also been observed to segregate with disease in related individuals. ClinVar contains an entry for this variant (Variation ID: 2785798). Invitae Evidence Modeling of protein sequence and biophysical properties (such as structural, functional, and spatial information, amino acid conservation, physicochemical variation, residue mobility, and thermodynamic stability) indicates that this missense variant is expected to disrupt CAPN3 protein function with a positive predictive value of 80%. This variant disrupts the p.Gly233 amino acid residue in CAPN3. Other variant(s) that disrupt this residue have been determined to be pathogenic (PMID: 11525884, 15221789). This suggests that this residue is clinically significant, and that variants that disrupt this residue are likely to be disease-causing. For these reasons, this variant has been classified as Pathogenic.

Literature cited by the submitters: PubMed 11525884; PubMed 15221789.

NM_000070.3(CAPN3):c.698G>A (p.Gly233Glu)

Gene: CAPN3 (calpain 3; plus strand). Cytogenetic location: 15q15.1.
Variant type: single nucleotide variant.
Coding change: c.698G>A on transcript NM_000070.3 (MANE Select); coding-DNA position 698, G replaced by A.
Protein change: p.Gly233Glu; replaces glycine 233 with glutamic acid.
Molecular consequence: missense variant.
Genome position (GRCh38, 1-based): chr15:42,388,993, G>A. VCF-style: chr15-42388993-G-A. GRCh37 (hg19) VCF-style: chr15-42681191-G-A.
Other names: c.698G>A, p.Gly233Glu (NM_024344.2, NM_173087.2); c.437G>A, p.Gly146Glu (NM_212464.2); c.*391G>A (NM_212467.2); short protein forms G146E, G233E.
Identifiers: ClinVar variation 2785798 (VCV002785798.3), dbSNP rs2548260314, ClinGen allele CA391998185.